The following is an entry in ClinVar:

NM_001042492.3(NF1):c.1845+2del

Gene: NF1 (neurofibromin 1; plus strand). Cytogenetic location: 17q11.2.
Variant type: Deletion.
Coding change: c.1845+2del on transcript NM_001042492.3 (MANE Select); the canonical splice donor site of the intron after coding-DNA position 1845, one base deleted (T; older notation c.1845+2delT).
Molecular consequence: splice donor variant.
Genome position (GRCh38, 1-based): chr17:31,223,569, T deleted. VCF-style (leftmost placement, unchanged base first): chr17-31223568-GT-G. GRCh37 (hg19) VCF-style: chr17-29550586-GT-G.
Other names: c.1845+2del (NM_000267.4).
Identifiers: ClinVar variation 3644619 (VCV003644619.2).
Genomic context (GRCh38, chr17:31,223,568, plus strand): 5'-ATTCTCAAGTGGTTGCGGGAAATATTGATCTGCAGGAATAAATTTCTTCTTAAAAATAAG[GT>G]AAGCAAAATGACATATTTAAAAAATGGAAGAATATTTGGAATGGTAATGGTGAGAGATTA-3'

ClinVar aggregate classification (germline): Likely pathogenic (1 of 4 stars; one submission).

Conditions:
Neurofibromatosis, type 1 (NF1). Also called: Peripheral type neurofibromatosis; VON RECKLINGHAUSEN DISEASE; Neurofibromatosis, type I; NEUROFIBROMATOSIS, TYPE I, SOMATIC. Identifiers: Orphanet 636, MedGen C0027831, MONDO:0018975, OMIM 162200. Disease mechanism: loss of function.

Submission:

Labcorp Genetics (formerly Invitae), Labcorp
Classification: Likely pathogenic for Neurofibromatosis, type 1. Last evaluated: 2024-03-05. Review status: criteria provided, single submitter. Criteria: Invitae Variant Classification Sherloc (09022015). Collection method: clinical testing. Allele origin: germline.
Comment: This sequence change affects a splice site in intron 16 of the NF1 gene. It is expected to disrupt RNA splicing. Variants that disrupt the donor or acceptor splice site typically lead to a loss of protein function (PMID: 16199547), and loss-of-function variants in NF1 are known to be pathogenic (PMID: 10712197, 23913538). This variant is not present in population databases (gnomAD no frequency). This variant has not been reported in the literature in individuals affected with NF1-related conditions. Algorithms developed to predict the effect of sequence changes on RNA splicing suggest that this variant may disrupt the consensus splice site. In summary, the currently available evidence indicates that the variant is pathogenic, but additional data are needed to prove that conclusively. Therefore, this variant has been classified as Likely Pathogenic.

Literature cited by the submitters: PubMed 16199547; PubMed 10712197; PubMed 23913538.